The following is an entry in ClinVar:

NM_031220.4(PITPNM3):c.1792G>A (p.Val598Met)

Gene: PITPNM3 (PITPNM family member 3; minus strand). Cytogenetic location: 17p13.2.
Variant type: single nucleotide variant.
Coding change: c.1792G>A on transcript NM_031220.4 (MANE Select); coding-DNA position 1792, G replaced by A.
Protein change: p.Val598Met; replaces valine 598 with methionine.
Molecular consequence: missense variant.
Genome position (GRCh38, 1-based): chr17:6,468,323, C>T on the plus strand (G>A on the coding strand, the complement: PITPNM3 is on the minus strand). VCF-style: chr17-6468323-C-T. GRCh37 (hg19) VCF-style: chr17-6371643-C-T.
Other names: c.1684G>A, p.Val562Met (NM_001165966.2); short protein forms V562M, V598M.
Identifiers: ClinVar variation 836790 (VCV000836790.11), dbSNP rs530903374, ClinGen allele CA8329378.

ClinVar aggregate classification (germline): Uncertain significance. Review status: criteria provided, multiple submitters, no conflicts (2 of 4 stars). 2 submissions from 2 submitters: Uncertain significance (2). Last evaluated 2025-11-17.

Allele frequency attached by ClinVar (database versions not stated): gnomAD exomes 0.00001 and 0.00002; ExAC 0.00002; gnomAD 0.00009 and 0.00011; 1000 Genomes Project 30x 0.00016; TOPMed 0.00017; 1000 Genomes Project 0.00020.
gnomAD v4.1: 29 of 1,614,096 alleles (0.0018%); highest among the groups gnomAD compares: Admixed American, 0.023%; no homozygotes.

Submissions (2):

Labcorp Genetics (formerly Invitae), Labcorp
Classification: Uncertain significance. Last evaluated: 2025-11-17. Review status: criteria provided, single submitter. Criteria: Invitae Variant Classification Sherloc (09022015). Collection method: clinical testing. Allele origin: germline.
Comment: This sequence change replaces valine, which is neutral and non-polar, with methionine, which is neutral and non-polar, at codon 598 of the PITPNM3 protein (p.Val598Met). This variant is present in population databases (rs530903374, gnomAD 0.009%). This variant has not been reported in the literature in individuals affected with PITPNM3-related conditions. ClinVar contains an entry for this variant (Variation ID: 836790). Invitae Evidence Modeling of protein sequence and biophysical properties (such as structural, functional, and spatial information, amino acid conservation, physicochemical variation, residue mobility, and thermodynamic stability) indicates that this missense variant is not expected to disrupt PITPNM3 protein function with a negative predictive value of 80%. In summary, the available evidence is currently insufficient to determine the role of this variant in disease. Therefore, it has been classified as a Variant of Uncertain Significance.

Ambry Genetics
Classification: Uncertain significance. Last evaluated: 2023-12-14. Review status: criteria provided, single submitter. Criteria: Ambry Variant Classification Scheme 2023. Collection method: clinical testing. Allele origin: germline.